The following is an entry in ClinVar:

ClinVar aggregate classification (germline): Uncertain significance (1 of 4 stars; one submission).

Conditions:
NRP1-related disorder. Also called: NRP1-related condition.

gnomAD v4.1: 2 of 1,614,038 alleles (0.00012%); highest among the groups gnomAD compares: Non-Finnish European, 0.00017%; no homozygotes.

Submission:

PreventionGenetics, part of Exact Sciences
Classification: Uncertain significance for NRP1-related condition. Last evaluated: 2026-04-25. Review status: criteria provided, single submitter. Criteria: ACMG Guidelines, 2015. Collection method: clinical testing. Allele origin: germline.
Comment: The NRP1 c.1414G>T variant is predicted to result in the amino acid substitution p.Ala472Ser. To our knowledge, this variant has not been reported in the literature or in a large population database (gnomAD), indicating this variant is rare. At this time, the clinical significance of this variant is uncertain due to the absence of conclusive functional and genetic evidence.

NM_003873.7(NRP1):c.1414G>T (p.Ala472Ser)

Gene: NRP1 (neuropilin 1; minus strand). Cytogenetic location: 10p11.22.
Variant type: single nucleotide variant.
Coding change: c.1414G>T on transcript NM_003873.7 (MANE Select); coding-DNA position 1414, G replaced by T.
Protein change: p.Ala472Ser; replaces alanine 472 with serine.
Molecular consequence: missense variant. On other transcripts: non-coding transcript variant (1).
Genome position (GRCh38, 1-based): chr10:33,213,586, C>A on the plus strand (G>T on the coding strand, the complement: NRP1 is on the minus strand). VCF-style: chr10-33213586-C-A. GRCh37 (hg19) VCF-style: chr10-33502514-C-A.
Other names: c.1414G>T, p.Ala472Ser (NM_001024628.3, NM_001024629.3, NM_001244972.2 and 2 more transcripts); short protein forms A472S.
Identifiers: ClinVar variation 4987045 (VCV004987045.1).
Genomic context (GRCh38, chr10:33,213,586, plus strand): 5'-CCTCCCCCAGGTCTATTTGGAGCCACTCATTGATGTAGGAATGAGGTGCGGGTGGAAGTG[C>A]CCAGCCAGAGCGACTGGTTACCAGGCGGATGTTTTCAGGCATCCAGTTTCTGTCCCCTTG-3'
Protein context (NP_003864.5, residues 462-482): IRLVTSRSGW[Ala472Ser]LPPAPHSYIN